The following is an entry in ClinVar:

NM_006502.3(POLH):c.*3088G>A

Gene: POLH (DNA polymerase eta; plus strand). Cytogenetic location: 6p21.1.
Variant type: single nucleotide variant.
Coding change: c.*3088G>A on transcript NM_006502.3 (MANE Select); 3088 bases downstream of the stop codon, G replaced by A.
Molecular consequence: 3 prime UTR variant.
Genome position (GRCh38, 1-based): chr6:43,617,645, G>A. VCF-style: chr6-43617645-G-A. GRCh37 (hg19) VCF-style: chr6-43585382-G-A.
Other names: c.*3088G>A (NM_001291969.2); c.*3914G>A (NM_001291970.2).
Identifiers: ClinVar variation 356976 (VCV000356976.7), dbSNP rs373844625, ClinGen allele CA10622179.

ClinVar aggregate classification (germline): Benign (1 of 4 stars; one submission).

Conditions:
Xeroderma pigmentosum variant type. Also called: POLH-Related Xeroderma Pigmentosum; PHOTOSENSITIVITY WITH DEFECTIVE DNA SYNTHESIS; XERODERMA PIGMENTOSUM WITH NORMAL DNA REPAIR RATES. Identifiers: Orphanet 90342, MedGen C1848410, MONDO:0010214, OMIM 278750.

Allele frequency attached by ClinVar (database versions not stated): gnomAD 0.00072 and 0.00122; TOPMed 0.00090; 1000 Genomes Project 30x 0.00390; 1000 Genomes Project 0.00419.
gnomAD v4.1: 184 of 151,770 alleles (0.12%); highest among the groups gnomAD compares: South Asian, 1.6%; no homozygotes.

Submission:

Illumina Laboratory Services, Illumina
Classification: Benign for Xeroderma pigmentosum variant type. Last evaluated: 2018-01-13. Review status: criteria provided, single submitter. Criteria: ICSL Variant Classification Criteria 13 December 2019. Collection method: clinical testing. Allele origin: germline.
Comment: This variant was observed in the ICSL laboratory as part of a predisposition screen in an ostensibly healthy population. It had not been previously curated by ICSL or reported in the Human Gene Mutation Database (HGMD: prior to June 1st, 2018), and was therefore a candidate for classification through an automated scoring system. Utilizing variant allele frequency, disease prevalence and penetrance estimates, and inheritance mode, an automated score was calculated to assess if this variant is too frequent to cause the disease. Based on the score and internal cut-off values, a variant classified as benign is not then subjected to further curation. The score for this variant resulted in a classification of benign for this disease.